The following is an entry in ClinVar:

ClinVar aggregate classification (germline): Pathogenic (1 of 4 stars; one submission).

Submission:

Baylor Genetics
Classification: Pathogenic. Last evaluated: 2018-11-01. Review status: criteria provided, single submitter. Criteria: ACMG CNV Guidelines, 2011. Collection method: clinical testing. Allele origin: de novo. Observed: 1 variant allele.

GRCh37/hg19 1p36.33-36.31(chr1:1471075-5831645)

Genes: ACTRT2 (actin related protein T2; plus strand), AJAP1 (adherens junctions associated protein 1; plus strand), ARHGEF16 (Rho guanine nucleotide exchange factor 16; plus strand), C1orf174 (chromosome 1 open reading frame 174; minus strand), CALML6 (calmodulin like 6; plus strand) and 38 more. Cytogenetic location: 1p36.33-36.31.
Variant type: copy number gain.
Identifiers: ClinVar variation 625765 (VCV000625765.1).